The following is an entry in ClinVar:

ClinVar aggregate classification (germline): Uncertain significance (1 of 4 stars; one submission).

Conditions:
Hereditary cancer-predisposing syndrome. Also called: Neoplastic Syndromes, Hereditary; Tumor predisposition; Hereditary neoplastic syndrome; Hereditary Cancer Syndrome. Identifiers: Orphanet 140162, MedGen C0027672, MeSH D009386, MONDO:0015356.

Submission:

Ambry Genetics
Classification: Uncertain significance for Hereditary cancer-predisposing syndrome. Last evaluated: 2022-12-31. Review status: criteria provided, single submitter. Criteria: Ambry Variant Classification Scheme 2023. Collection method: clinical testing. Allele origin: germline.
Comment: The p.D1120G variant (also known as c.3359A>G), located in coding exon 19 of the BRIP1 gene, results from an A to G substitution at nucleotide position 3359. The aspartic acid at codon 1120 is replaced by glycine, an amino acid with similar properties. This amino acid position is conserved. In addition, this alteration is predicted to be tolerated by in silico analysis. Since supporting evidence is limited at this time, the clinical significance of this alteration remains unclear.

NM_032043.3(BRIP1):c.3359A>G (p.Asp1120Gly)

Gene: BRIP1 (BRCA1 interacting DNA helicase 1; minus strand). Cytogenetic location: 17q23.2.
Variant type: single nucleotide variant.
Coding change: c.3359A>G on transcript NM_032043.3 (MANE Select); coding-DNA position 3359, A replaced by G.
Protein change: p.Asp1120Gly; replaces aspartic acid 1120 with glycine.
Molecular consequence: missense variant.
Genome position (GRCh38, 1-based): chr17:61,683,687, T>C on the plus strand (A>G on the coding strand, the complement: BRIP1 is on the minus strand). VCF-style: chr17-61683687-T-C. GRCh37 (hg19) VCF-style: chr17-59761048-T-C.
Other names: short protein forms D1120G.
Identifiers: ClinVar variation 2449928 (VCV002449928.2), dbSNP rs2144078924, ClinGen allele CA400478902.